The following is an entry in ClinVar:

NM_001200.4(BMP2):c.652G>A (p.Ala218Thr)

Gene: BMP2 (bone morphogenetic protein 2; plus strand). Cytogenetic location: 20p12.3.
Variant type: single nucleotide variant.
Coding change: c.652G>A on transcript NM_001200.4 (MANE Select); coding-DNA position 652, G replaced by A.
Protein change: p.Ala218Thr; replaces alanine 218 with threonine.
Molecular consequence: missense variant.
Genome position (GRCh38, 1-based): chr20:6,778,550, G>A. VCF-style: chr20-6778550-G-A. GRCh37 (hg19) VCF-style: chr20-6759197-G-A.
Other names: short protein forms A218T.
Identifiers: ClinVar variation 3711100 (VCV003711100.2).
Genomic context (GRCh38, chr20:6,778,550, plus strand): 5'-AATCAGAATGCAAGCAGGTGGGAAAGTTTTGATGTCACCCCCGCTGTGATGCGGTGGACT[G>A]CACAGGGACACGCCAACCATGGATTCGTGGTGGAAGTGGCCCACTTGGAGGAGAAACAAG-3'
Protein context (NP_001191.1, residues 208-228): DVTPAVMRWT[Ala218Thr]QGHANHGFVV

ClinVar aggregate classification (germline): Uncertain significance (1 of 4 stars; one submission).

Submission:

Labcorp Genetics (formerly Invitae), Labcorp
Classification: Uncertain significance. Last evaluated: 2024-08-29. Review status: criteria provided, single submitter. Criteria: Invitae Variant Classification Sherloc (09022015). Collection method: clinical testing. Allele origin: germline.
Comment: This sequence change replaces alanine, which is neutral and non-polar, with threonine, which is neutral and polar, at codon 218 of the BMP2 protein (p.Ala218Thr). This variant is present in population databases (rs371085275, gnomAD 0.002%). This variant has not been reported in the literature in individuals affected with BMP2-related conditions. An algorithm developed to predict the effect of missense changes on protein structure and function outputs the following: PolyPhen-2: "Benign". The threonine amino acid residue is found in multiple mammalian species, which suggests that this missense change does not adversely affect protein function. In summary, the available evidence is currently insufficient to determine the role of this variant in disease. Therefore, it has been classified as a Variant of Uncertain Significance.